The following is an entry in ClinVar:

ClinVar aggregate classification (germline): Uncertain significance (1 of 4 stars; one submission).

Allele frequency attached by ClinVar (database versions not stated): TOPMed below 0.00001; ExAC 0.00002; gnomAD exomes below 0.00001.

Submission:

Labcorp Genetics (formerly Invitae), Labcorp
Classification: Uncertain significance. Last evaluated: 2025-12-08. Review status: criteria provided, single submitter. Criteria: Invitae Variant Classification Sherloc (09022015). Collection method: clinical testing. Allele origin: germline.
Comment: This sequence change replaces serine, which is neutral and polar, with asparagine, which is neutral and polar, at codon 408 of the LMNB1 protein (p.Ser408Asn). This variant is present in population databases (rs761654939, gnomAD 0.002%). This variant has not been reported in the literature in individuals affected with LMNB1-related conditions. ClinVar contains an entry for this variant (Variation ID: 3019066). Invitae Evidence Modeling of protein sequence and biophysical properties (such as structural, functional, and spatial information, amino acid conservation, physicochemical variation, residue mobility, and thermodynamic stability) has been performed for this missense variant. However, the output from this modeling did not meet the statistical confidence thresholds required to predict the impact of this variant on LMNB1 protein function. In summary, the available evidence is currently insufficient to determine the role of this variant in disease. Therefore, it has been classified as a Variant of Uncertain Significance.

NM_005573.4(LMNB1):c.1223G>A (p.Ser408Asn)

Gene: LMNB1 (lamin B1; plus strand). Cytogenetic location: 5q23.2.
Variant type: single nucleotide variant.
Coding change: c.1223G>A on transcript NM_005573.4 (MANE Select); coding-DNA position 1223, G replaced by A.
Protein change: p.Ser408Asn; replaces serine 408 with asparagine.
Molecular consequence: missense variant. On other transcripts: non-coding transcript variant (2).
Genome position (GRCh38, 1-based): chr5:126,820,972, G>A. VCF-style: chr5-126820972-G-A. GRCh37 (hg19) VCF-style: chr5-126156664-G-A.
Other names: c.593G>A, p.Ser198Asn (NM_001198557.2); short protein forms S198N, S408N.
Identifiers: ClinVar variation 3019066 (VCV003019066.3), dbSNP rs761654939, ClinGen allele CA3390672.